The following is an entry in ClinVar:

NM_017433.5(MYO3A):c.4241C>T (p.Ser1414Leu)

Gene: MYO3A (myosin IIIA; plus strand). Cytogenetic location: 10p12.1.
Variant type: single nucleotide variant.
Coding change: c.4241C>T on transcript NM_017433.5 (MANE Select); coding-DNA position 4241, C replaced by T.
Protein change: p.Ser1414Leu; replaces serine 1414 with leucine.
Molecular consequence: missense variant.
Genome position (GRCh38, 1-based): chr10:26,174,505, C>T. VCF-style: chr10-26174505-C-T. GRCh37 (hg19) VCF-style: chr10-26463434-C-T.
Other names: short protein forms S1414L.
Identifiers: ClinVar variation 3375928 (VCV003375928.1).

ClinVar aggregate classification (germline): Uncertain significance (1 of 4 stars; one submission).

gnomAD v4.1: 14 of 1,613,816 alleles (0.00087%); highest among the groups gnomAD compares: African/African-American, 0.011%; no homozygotes.

Submission:

GeneDx
Classification: Uncertain significance. Last evaluated: 2024-05-07. Review status: criteria provided, single submitter. Criteria: GeneDx Variant Classification Process June 2021. Collection method: clinical testing. Allele origin: germline. Affected: yes.
Comment: In silico analysis indicates that this missense variant does not alter protein structure/function; Has not been previously published as pathogenic or benign to our knowledge